The following is an entry in ClinVar:

ClinVar aggregate classification (germline): Benign (1 of 4 stars; one submission).

Conditions:
Autoimmune lymphoproliferative syndrome type 2A (ALPS2A). Also called: CASP10-Related Autoimmune Lymphoproliferative Syndrome; AUTOIMMUNE LYMPHOPROLIFERATIVE SYNDROME, TYPE IIA; Autoimmune lymphoproliferative syndrome type 2. Identifiers: Orphanet 3261, MedGen C1858968, MONDO:0011383, OMIM 603909.

Allele frequency attached by ClinVar (database versions not stated): gnomAD exomes 0.00451; gnomAD 0.06205 and 0.06626; TOPMed 0.06994; 1000 Genomes Project 0.07208; 1000 Genomes Project 30x 0.07745.
gnomAD v4.1: 13,189 of 982,876 alleles (1.3%); highest among the groups gnomAD compares: African/African-American, 21%; 1,336 homozygotes.

Submission:

Illumina Laboratory Services, Illumina
Classification: Benign for Autoimmune lymphoproliferative syndrome type 2A. Last evaluated: 2018-01-12. Review status: criteria provided, single submitter. Criteria: ICSL Variant Classification Criteria 13 December 2019. Collection method: clinical testing. Allele origin: germline.
Comment: This variant was observed in the ICSL laboratory as part of a predisposition screen in an ostensibly healthy population. It had not been previously curated by ICSL or reported in the Human Gene Mutation Database (HGMD: prior to June 1st, 2018), and was therefore a candidate for classification through an automated scoring system. Utilizing variant allele frequency, disease prevalence and penetrance estimates, and inheritance mode, an automated score was calculated to assess if this variant is too frequent to cause the disease. Based on the score and internal cut-off values, a variant classified as benign is not then subjected to further curation. The score for this variant resulted in a classification of benign for this disease.

NM_032977.4(CASP10):c.*1920G>C

Gene: CASP10 (caspase 10; plus strand). Cytogenetic location: 2q33.1.
Variant type: single nucleotide variant.
Coding change: c.*1920G>C on transcript NM_032977.4 (MANE Select); 1920 bases downstream of the stop codon, G replaced by C.
Molecular consequence: 3 prime UTR variant. On other transcripts: intron variant (2).
Genome position (GRCh38, 1-based): chr2:201,219,661, G>C. VCF-style: chr2-201219661-G-C. GRCh37 (hg19) VCF-style: chr2-202084384-G-C.
Other names: c.*1920G>C (NM_001206524.2, NM_001230.5); c.*2575G>C (NM_032976.4); c.1416-9272G>C (NM_032974.5); c.1287-9272G>C (NM_001206542.2).
Identifiers: ClinVar variation 333469 (VCV000333469.5), dbSNP rs11885191, ClinGen allele CA10611992.